The following is an entry in ClinVar:

NM_001376.5(DYNC1H1):c.248C>T (p.Thr83Met)

Gene: DYNC1H1 (dynein cytoplasmic 1 heavy chain 1; plus strand). Cytogenetic location: 14q32.31.
Variant type: single nucleotide variant.
Coding change: c.248C>T on transcript NM_001376.5 (MANE Select); coding-DNA position 248, C replaced by T.
Protein change: p.Thr83Met; replaces threonine 83 with methionine.
Molecular consequence: missense variant.
Genome position (GRCh38, 1-based): chr14:101,964,939, C>T. VCF-style: chr14-101964939-C-T. GRCh37 (hg19) VCF-style: chr14-102431276-C-T.
Other names: short protein forms T83M.
Identifiers: ClinVar variation 694842 (VCV000694842.21), dbSNP rs1400787976, ClinGen allele CA391003875.

ClinVar aggregate classification (germline): Uncertain significance. Review status: criteria provided, multiple submitters, no conflicts (2 of 4 stars). 3 submissions from 3 submitters: Uncertain significance (2). 1 of the submissions does not count toward it. Last evaluated 2026-05-01.

Conditions:
Distal spinal muscular atrophy. Also called: Distal hereditary motor neuronopathy; Distal hereditary motor neuropathy. Identifiers: Orphanet 53739, MedGen C0393541, MONDO:0018894.
Charcot-Marie-Tooth disease axonal type 2O. Also called: Charcot-Marie-Tooth Neuropathy Type 2O; Charcot-Marie-Tooth disease, axonal, type 20; CHARCOT-MARIE-TOOTH NEUROPATHY, AXONAL, TYPE 2O; CHARCOT-MARIE-TOOTH DISEASE, AXONAL, AUTOSOMAL DOMINANT, TYPE 2O. Identifiers: Orphanet 284232, MedGen C3280220, MONDO:0013644, OMIM 614228.

gnomAD v4.1: 5 of 1,597,458 alleles (0.00031%); highest among the groups gnomAD compares: Non-Finnish European, 0.00043%; no homozygotes.

Submissions (3):

CeGaT Center for Human Genetics Tuebingen
Classification: Uncertain significance. Last evaluated: 2026-05-01. Review status: criteria provided, single submitter. Criteria: CeGaT Center For Human Genetics Tuebingen Variant Classification Criteria Version 2. Collection method: clinical testing. Allele origin: germline. Affected: yes. Observed: 2 variant alleles.
Comment: DYNC1H1: PM2, PP2

Labcorp Genetics (formerly Invitae), Labcorp
Classification: Uncertain significance for Charcot-Marie-Tooth disease axonal type 2O. Last evaluated: 2024-10-22. Review status: criteria provided, single submitter. Criteria: Invitae Variant Classification Sherloc (09022015). Collection method: clinical testing. Allele origin: germline.
Comment: This sequence change replaces threonine, which is neutral and polar, with methionine, which is neutral and non-polar, at codon 83 of the DYNC1H1 protein (p.Thr83Met). The frequency data for this variant in the population databases is considered unreliable, as metrics indicate poor data quality at this position in the gnomAD database. This variant has not been reported in the literature in individuals affected with DYNC1H1-related conditions. ClinVar contains an entry for this variant (Variation ID: 694842). Invitae Evidence Modeling of protein sequence and biophysical properties (such as structural, functional, and spatial information, amino acid conservation, physicochemical variation, residue mobility, and thermodynamic stability) indicates that this missense variant is not expected to disrupt DYNC1H1 protein function with a negative predictive value of 95%. In summary, the available evidence is currently insufficient to determine the role of this variant in disease. Therefore, it has been classified as a Variant of Uncertain Significance.

Genesis Genome Database
Classification: Uncertain significance for Distal spinal muscular atrophy. Last evaluated: 2019-08-14. Review status: no assertion criteria provided. Collection method: research. Allele origin: germline. Affected: yes. Not counted in ClinVar's aggregate classification.